The following is an entry in ClinVar:

NM_182961.4(SYNE1):c.15197C>G (p.Thr5066Ser)

Gene: SYNE1 (spectrin repeat containing nuclear envelope protein 1; minus strand). Cytogenetic location: 6q25.2.
Variant type: single nucleotide variant.
Coding change: c.15197C>G on transcript NM_182961.4 (MANE Select); coding-DNA position 15197, C replaced by G.
Protein change: p.Thr5066Ser; replaces threonine 5066 with serine.
Molecular consequence: missense variant.
Genome position (GRCh38, 1-based): chr6:152,326,392, G>C on the plus strand (C>G on the coding strand, the complement: SYNE1 is on the minus strand). VCF-style: chr6-152326392-G-C. GRCh37 (hg19) VCF-style: chr6-152647527-G-C.
Other names: c.14984C>G, p.Thr4995Ser (NM_033071.5); short protein forms T4995S, T5066S.
Identifiers: ClinVar variation 1676045 (VCV001676045.38), dbSNP rs373690809, ClinGen allele CA150172012.

ClinVar aggregate classification (germline): Uncertain significance. Review status: criteria provided, multiple submitters, no conflicts (2 of 4 stars). 2 submissions from 2 submitters: Uncertain significance (2). Last evaluated 2022-06-25.

Conditions:
Autosomal recessive ataxia, Beauce type. Also called: Spinocerebellar ataxia, autosomal recessive 8; ATAXIA, RECESSIVE, OF BEAUCE; SYNE1-Related Autosomal Recessive Cerebellar Ataxia; SYNE1 Deficiency. Identifiers: Orphanet 88644, MedGen C1853116, MONDO:0012549, OMIM 610743.
Emery-Dreifuss muscular dystrophy 4, autosomal dominant (EDMD4). Also called: EMERY-DREIFUSS MUSCULAR DYSTROPHY 4 WITH VARIABLE FEATURES. Identifiers: Orphanet 261, MedGen C2751807, MONDO:0013071, OMIM 612998.

Allele frequency attached by ClinVar (database versions not stated): TOPMed below 0.00001; gnomAD 0.00001; ESP Exome Variant Server 0.00008.
gnomAD v4.1: 4 of 1,614,062 alleles (0.00025%); highest among the groups gnomAD compares: Non-Finnish European, 0.00034%; no homozygotes.

Submissions (2):

Labcorp Genetics (formerly Invitae), Labcorp
Classification: Uncertain significance for Emery-Dreifuss muscular dystrophy 4, autosomal dominant; Autosomal recessive ataxia, Beauce type. Last evaluated: 2022-06-25. Review status: criteria provided, single submitter. Criteria: Invitae Variant Classification Sherloc (09022015). Collection method: clinical testing. Allele origin: germline.
Comment: This sequence change replaces threonine, which is neutral and polar, with serine, which is neutral and polar, at codon 4995 of the SYNE1 protein (p.Thr4995Ser). This variant is not present in population databases (gnomAD no frequency). This variant has not been reported in the literature in individuals affected with SYNE1-related conditions. Algorithms developed to predict the effect of missense changes on protein structure and function output the following: SIFT: "Tolerated"; PolyPhen-2: "Benign"; Align-GVGD: "Class C0". The serine amino acid residue is found in multiple mammalian species, which suggests that this missense change does not adversely affect protein function. In summary, the available evidence is currently insufficient to determine the role of this variant in disease. Therefore, it has been classified as a Variant of Uncertain Significance.

CeGaT Center for Human Genetics Tuebingen
Classification: Uncertain significance. Last evaluated: 2022-02-01. Review status: criteria provided, single submitter. Criteria: CeGaT Center For Human Genetics Tuebingen Variant Classification Criteria Version 2. Collection method: clinical testing. Allele origin: germline. Affected: yes. Observed: 1 variant allele.